The following is an entry in ClinVar:

ClinVar aggregate classification (germline): Uncertain significance (1 of 4 stars; one submission).

Conditions:
Alstrom syndrome (ALMS). Identifiers: Orphanet 64, MedGen C0268425, MONDO:0008763, OMIM 203800.

gnomAD v4.1: 2 of 1,614,180 alleles (0.00012%); highest among the groups gnomAD compares: Non-Finnish European, 0.000085%; no homozygotes.

Submission:

Labcorp Genetics (formerly Invitae), Labcorp
Classification: Uncertain significance for Alstrom syndrome. Last evaluated: 2025-06-24. Review status: criteria provided, single submitter. Criteria: Invitae Variant Classification Sherloc (09022015). Collection method: clinical testing. Allele origin: germline.
Comment: This sequence change replaces histidine, which is basic and polar, with arginine, which is basic and polar, at codon 2640 of the ALMS1 protein (p.His2640Arg). This variant is not present in population databases (gnomAD no frequency). This variant has not been reported in the literature in individuals affected with ALMS1-related conditions. An algorithm developed to predict the effect of missense changes on protein structure and function outputs the following: PolyPhen-2: "Not Available". The arginine amino acid residue is found in multiple mammalian species, which suggests that this missense change does not adversely affect protein function. In summary, the available evidence is currently insufficient to determine the role of this variant in disease. Therefore, it has been classified as a Variant of Uncertain Significance.

NM_001378454.1(ALMS1):c.7916A>G (p.His2639Arg)

Gene: ALMS1 (ALMS1 centrosome and basal body associated protein; plus strand). Cytogenetic location: 2p13.1.
Variant type: single nucleotide variant.
Coding change: c.7916A>G on transcript NM_001378454.1 (MANE Select); coding-DNA position 7916, A replaced by G.
Protein change: p.His2639Arg; replaces histidine 2639 with arginine.
Molecular consequence: missense variant.
Genome position (GRCh38, 1-based): chr2:73,489,875, A>G. VCF-style: chr2-73489875-A-G. GRCh37 (hg19) VCF-style: chr2-73717002-A-G.
Other names: c.7919A>G, p.His2640Arg (NM_015120.4); short protein forms H2640R, H2639R.
Identifiers: ClinVar variation 4754243 (VCV004754243.1).
Genomic context (GRCh38, chr2:73,489,875, plus strand): 5'-CATCATCATGCAGAGCCAAGCATGTCAACCTTTCTGCATCCTTAGACCAGAACAACTCCC[A>G]TTTCAAAGTTTGGAATTCCTTGCAGTTAAAAAGTCATTCCCCATTTCAGAACTTTATACC-3'
Protein context (NP_001365383.1, residues 2629-2649): LSASLDQNNS[His2639Arg]FKVWNSLQLK